The following is an entry in ClinVar:

NM_002029.4(FPR1):c.649G>A (p.Val217Ile)

Gene: FPR1 (formyl peptide receptor 1; minus strand). Cytogenetic location: 19q13.41.
Variant type: single nucleotide variant.
Coding change: c.649G>A on transcript NM_002029.4 (MANE Select); coding-DNA position 649, G replaced by A.
Protein change: p.Val217Ile; replaces valine 217 with isoleucine.
Molecular consequence: missense variant.
Genome position (GRCh38, 1-based): chr19:51,746,346, C>T on the plus strand (G>A on the coding strand, the complement: FPR1 is on the minus strand). VCF-style: chr19-51746346-C-T. GRCh37 (hg19) VCF-style: chr19-52249599-C-T.
Other names: c.649G>A, p.Val217Ile (NM_001193306.2); short protein forms V217I.
Identifiers: ClinVar variation 3715648 (VCV003715648.3).
Genomic context (GRCh38, chr19:51,746,346, plus strand): 5'-TGGACTTAATCAAGCCTTGCTTGTGGATCTTGGTGGCAATAAGCCCATAACTGACAGCAA[C>T]GATGGACATGGGTGCGCTGAAGCCAATGATGAACCGGATGATGCCTCTCACCGTCAACAT-3'
Protein context (NP_002020.1, residues 207-227): IIGFSAPMSI[Val217Ile]AVSYGLIATK

ClinVar aggregate classification (germline): Uncertain significance. Review status: criteria provided, multiple submitters, no conflicts (2 of 4 stars). 2 submissions from 2 submitters: Uncertain significance (2). Last evaluated 2025-10-18.

Conditions:
Gingival disorder. Also called: Gingival disease. Identifiers: MedGen C0017563, MONDO:0002021.

Submissions (2):

Ambry Genetics
Classification: Uncertain significance. Last evaluated: 2025-10-18. Review status: criteria provided, single submitter. Criteria: Ambry Variant Classification Scheme 2023. Collection method: clinical testing. Allele origin: germline.

Labcorp Genetics (formerly Invitae), Labcorp
Classification: Uncertain significance for Gingival disorder. Last evaluated: 2025-01-30. Review status: criteria provided, single submitter. Criteria: Invitae Variant Classification Sherloc (09022015). Collection method: clinical testing. Allele origin: germline.
Comment: This sequence change replaces valine, which is neutral and non-polar, with isoleucine, which is neutral and non-polar, at codon 217 of the FPR1 protein (p.Val217Ile). This variant is present in population databases (rs772623174, gnomAD 0.002%). This variant has not been reported in the literature in individuals affected with FPR1-related conditions. An algorithm developed to predict the effect of missense changes on protein structure and function outputs the following: PolyPhen-2: "Benign". The isoleucine amino acid residue is found in multiple mammalian species, which suggests that this missense change does not adversely affect protein function. In summary, the available evidence is currently insufficient to determine the role of this variant in disease. Therefore, it has been classified as a Variant of Uncertain Significance.